The following is an entry in ClinVar:

NM_007294.4(BRCA1):c.4214dup (p.Leu1407fs)

Gene: BRCA1 (BRCA1 DNA repair associated; minus strand). Cytogenetic location: 17q21.31.
Variant type: Duplication.
Coding change: c.4214dup on transcript NM_007294.4 (MANE Select); coding-DNA position 4214, one base duplicated (T; older notation c.4214dupT).
Protein change: p.Leu1407fs; shifts the reading frame from leucine 1407.
Molecular consequence: frameshift variant. On other transcripts: non-coding transcript variant (1).
Genome position (GRCh38, 1-based): chr17:43,082,547, A duplicated on the plus strand (T on the coding strand, the reverse complement: BRCA1 is on the minus strand). VCF-style (leftmost placement, unchanged base first): chr17-43082546-T-TA. GRCh37 (hg19) VCF-style: chr17-41234563-T-TA.
Other names: c.4004dup, p.Leu1337Alafs (NM_001407881.1, NM_001407882.1, NM_001407884.1 and 9 more transcripts); c.4001dup, p.Leu1336Alafs (NM_001407894.1, NM_001407895.1, NM_001407896.1 and 12 more transcripts); c.3950dup, p.Leu1319Alafs (NM_001407926.1, NM_001407927.1, NM_001407928.1 and 7 more transcripts); c.3947dup, p.Leu1318Alafs (NM_001407930.1, NM_001407931.1, NM_001407932.1 and 3 more transcripts); c.3998dup, p.Leu1335Alafs (NM_001407915.1); c.4091dup, p.Leu1366Alafs (NM_001407919.1, NM_001407937.1, NM_001407648.1 and 13 more transcripts); c.3944dup, p.Leu1317Alafs (NM_001407934.1); c.4214dupT (NM_007294.3); and 55 more; short protein forms L1360fs, L304fs, L1407fs.
Identifiers: ClinVar variation 651892 (VCV000651892.8), dbSNP rs1597848491, ClinGen allele CA915950063.
Genomic context (GRCh38, chr17:43,082,546, plus strand): 5'-AGGCTGGCTCCCATGCTGTTCTAACACAGCTTCTAGTTCAGCCATTTCCTGCTGGAGCTT[T>TA]ATCAGGTTATGTTGCATGGTATCCCTCTGCTTCAAAAACGATAAATGGCACCAAGAAAAT-3'

ClinVar aggregate classification (germline): Pathogenic (1 of 4 stars; one submission).

Conditions:
Hereditary breast ovarian cancer syndrome. Also called: Breast and ovarian cancer; BRCA1- and BRCA2-Associated Hereditary Breast and Ovarian Cancer; Hereditary breast and ovarian cancer; Hereditary breast and/or ovarian cancer syndrome; Hereditary breast and ovarian cancer syndrome; Hereditary breast and ovarian cancer syndrome (HBOC). Identifiers: Orphanet 145, MedGen C0677776, MeSH D061325, MONDO:0003582. Disease mechanism: loss of function.

Submission:

Labcorp Genetics (formerly Invitae), Labcorp
Classification: Pathogenic for Hereditary breast ovarian cancer syndrome. Last evaluated: 2020-07-14. Review status: criteria provided, single submitter. Criteria: Invitae Variant Classification Sherloc (09022015). Collection method: clinical testing. Allele origin: germline.
Comment: For these reasons, this variant has been classified as Pathogenic. Loss-of-function variants in BRCA1 are known to be pathogenic (PMID: 20104584). This variant has not been reported in the literature in individuals with BRCA1-related disease. This variant is not present in population databases (ExAC no frequency). This sequence change creates a premature translational stop signal (p.Leu1407Alafs*7) in the BRCA1 gene. It is expected to result in an absent or disrupted protein product.

Literature cited by the submitters: PubMed 20104584.